The following is an entry in ClinVar:

ClinVar aggregate classification (germline): Likely benign. Review status: criteria provided, multiple submitters, no conflicts (2 of 4 stars). 2 submissions from 2 submitters: Likely benign (2). Last evaluated 2025-07-13.

Conditions:
Peutz-Jeghers syndrome (PJS). Also called: POLYPOSIS, HAMARTOMATOUS INTESTINAL; POLYPS-AND-SPOTS SYNDROME; Peutz-Jeghers polyposis; Periorificial lentiginosis syndrome. Identifiers: Orphanet 2869, MedGen C0031269, MeSH D010580, MONDO:0008280, OMIM 175200.

gnomAD v4.1: 1 of 1,598,980 alleles (0.000063%); highest among the groups gnomAD compares: Non-Finnish European, 0.000085%; no homozygotes.

Submissions (2):

Labcorp Genetics (formerly Invitae), Labcorp
Classification: Likely benign for Peutz-Jeghers syndrome. Last evaluated: 2025-07-13. Review status: criteria provided, single submitter. Criteria: Invitae Variant Classification Sherloc (09022015). Collection method: clinical testing. Allele origin: germline.

Myriad Genetics, Inc.
Classification: Likely benign for Peutz-Jeghers syndrome. Last evaluated: 2025-03-26. Review status: criteria provided, single submitter. Criteria: Myriad Autosomal Dominant, Autosomal Recessive and X-Linked Classification Criteria (2023). Collection method: clinical testing. Allele origin: unknown.
Comment: This variant is considered likely benign. This variant is intronic and is not expected to impact mRNA splicing.

NM_000455.5(STK11):c.597+8C>A

Gene: STK11 (serine/threonine kinase 11; plus strand). Cytogenetic location: 19p13.3.
Variant type: single nucleotide variant.
Coding change: c.597+8C>A on transcript NM_000455.5 (MANE Select); 8 bases into the intron after coding-DNA position 597, C replaced by A.
Molecular consequence: intron variant.
Genome position (GRCh38, 1-based): chr19:1,220,513, C>A. VCF-style: chr19-1220513-C-A. GRCh37 (hg19) VCF-style: chr19-1220512-C-A.
Identifiers: ClinVar variation 1159325 (VCV001159325.11), dbSNP rs565387911, ClinGen allele CA2499225346.